The following is an entry in ClinVar:

NM_001999.4(FBN2):c.7577A>T (p.Asp2526Val)

Gene: FBN2 (fibrillin 2; minus strand). Cytogenetic location: 5q23.3.
Variant type: single nucleotide variant.
Coding change: c.7577A>T on transcript NM_001999.4 (MANE Select); coding-DNA position 7577, A replaced by T.
Protein change: p.Asp2526Val; replaces aspartic acid 2526 with valine.
Molecular consequence: missense variant.
Genome position (GRCh38, 1-based): chr5:128,276,055, T>A on the plus strand (A>T on the coding strand, the complement: FBN2 is on the minus strand). VCF-style: chr5-128276055-T-A. GRCh37 (hg19) VCF-style: chr5-127611747-T-A.
Other names: short protein forms D2526V.
Identifiers: ClinVar variation 859259 (VCV000859259.12), dbSNP rs768941456, ClinGen allele CA360753708.
Genomic context (GRCh38, chr5:128,276,055, plus strand): 5'-AGATACAGACTAGGGTCACGATTGTCAGAGACTCTTCACTCACCTTTGCATGTCTTTCCA[T>A]CCTCTTGCAGGACATACCCCCTCGGACATGAACACTGATAACTCCCCTCAGTGTTCTTGC-3'
Protein context (NP_001990.2, residues 2516-2536): SCPRGYVLQE[Asp2526Val]GKTCKDLDEC

ClinVar aggregate classification (germline): Uncertain significance (1 of 4 stars; one submission).

Conditions:
Congenital contractural arachnodactyly (CCA). Also called: BEALS SYNDROME; Beals-Hecht syndrome; Arthrogryposis, distal, type 9. Identifiers: Orphanet 115, MedGen C0220668, MONDO:0007363, OMIM 121050.

Submission:

Labcorp Genetics (formerly Invitae), Labcorp
Classification: Uncertain significance for Congenital contractural arachnodactyly. Last evaluated: 2021-02-11. Review status: criteria provided, single submitter. Criteria: Invitae Variant Classification Sherloc (09022015). Collection method: clinical testing. Allele origin: germline.
Comment: In summary, the available evidence is currently insufficient to determine the role of this variant in disease. Therefore, it has been classified as a Variant of Uncertain Significance. Algorithms developed to predict the effect of sequence changes on RNA splicing suggest that this variant may create or strengthen a splice site, but this prediction has not been confirmed by published transcriptional studies. Algorithms developed to predict the effect of missense changes on protein structure and function are either unavailable or do not agree on the potential impact of this missense change (SIFT: "Deleterious"; PolyPhen-2: "Probably Damaging"; Align-GVGD: "Class C15"). This variant has not been reported in the literature in individuals with FBN2-related conditions. This variant is not present in population databases (ExAC no frequency). This sequence change replaces aspartic acid with valine at codon 2526 of the FBN2 protein (p.Asp2526Val). The aspartic acid residue is highly conserved and there is a large physicochemical difference between aspartic acid and valine.